The following is an entry in ClinVar:

ClinVar aggregate classification (germline): Uncertain significance (1 of 4 stars; one submission).

Conditions:
Idiopathic generalized epilepsy. Also called: EIG; Generalised epilepsy. Identifiers: MedGen C0270850, MONDO:0005579, OMIM 600669.

Submission:

Labcorp Genetics (formerly Invitae), Labcorp
Classification: Uncertain significance for Idiopathic generalized epilepsy. Last evaluated: 2022-09-07. Review status: criteria provided, single submitter. Criteria: Invitae Variant Classification Sherloc (09022015). Collection method: clinical testing. Allele origin: germline.
Comment: This variant has not been reported in the literature in individuals affected with CACNB4-related conditions. This variant is not present in population databases (gnomAD no frequency). This sequence change replaces cysteine, which is neutral and slightly polar, with tyrosine, which is neutral and polar, at codon 104 of the CACNB4 protein (p.Cys104Tyr). ClinVar contains an entry for this variant (Variation ID: 1043184). In summary, the available evidence is currently insufficient to determine the role of this variant in disease. Therefore, it has been classified as a Variant of Uncertain Significance. Algorithms developed to predict the effect of missense changes on protein structure and function are either unavailable or do not agree on the potential impact of this missense change (SIFT: "Tolerated"; PolyPhen-2: "Probably Damaging"; Align-GVGD: "Class C15").

NM_000726.5(CACNB4):c.311G>A (p.Cys104Tyr)

Gene: CACNB4 (calcium voltage-gated channel auxiliary subunit beta 4; minus strand). Cytogenetic location: 2q23.3.
Variant type: single nucleotide variant.
Coding change: c.311G>A on transcript NM_000726.5 (MANE Select); coding-DNA position 311, G replaced by A.
Protein change: p.Cys104Tyr; replaces cysteine 104 with tyrosine.
Molecular consequence: missense variant. On other transcripts: 5 prime UTR variant (2).
Genome position (GRCh38, 1-based): chr2:151,880,879, C>T on the plus strand (G>A on the coding strand, the complement: CACNB4 is on the minus strand). VCF-style: chr2-151880879-C-T. GRCh37 (hg19) VCF-style: chr2-152737393-C-T.
Other names: c.257G>A, p.Cys86Tyr (NM_001005746.4, NM_001330113.2); c.209G>A, p.Cys70Tyr (NM_001005747.4, NM_001330115.2); c.311G>A, p.Cys104Tyr (NM_001145798.3); c.170G>A, p.Cys57Tyr (NM_001320722.3, NM_001330116.2, NM_001330118.2); c.-324G>A (NM_001330114.2); c.-248G>A (NM_001330117.2); short protein forms C57Y, C104Y, C70Y, C86Y.
Identifiers: ClinVar variation 1043184 (VCV001043184.10), dbSNP rs1805031, ClinGen allele CA348804436.